The following is an entry in ClinVar:

ClinVar aggregate classification (germline): Benign. Review status: criteria provided, multiple submitters, no conflicts (2 of 4 stars). 3 submissions from 2 submitters: Benign (3). Last evaluated 2021-05-13.

Conditions:
Autosomal recessive nonsyndromic hearing loss 37. Identifiers: Orphanet 90636, MedGen C1843028, MONDO:0011912, OMIM 607821.
Autosomal dominant nonsyndromic hearing loss 22. Also called: Autosomal dominant nonsyndromic deafness 22; DFNA 22. Identifiers: Orphanet 228012, MedGen C2931767, MONDO:0011660, OMIM 606346.

Allele frequency attached by ClinVar (database versions not stated): gnomAD 0.33478 and 0.33974; TOPMed 0.34274; 1000 Genomes Project 0.34864; 1000 Genomes Project 30x 0.35306; gnomAD exomes 0.38551.
gnomAD v4.1: 123,394 of 338,144 alleles (36%); highest among the groups gnomAD compares: Admixed American, 51%; 24,140 homozygotes.

Submissions (3):

GeneDx
Classification: Benign. Last evaluated: 2021-05-13. Review status: criteria provided, single submitter. Criteria: GeneDx Variant Classification Process June 2021. Collection method: clinical testing. Allele origin: germline. Affected: yes.

Illumina Laboratory Services, Illumina
Classification: Benign for Autosomal recessive nonsyndromic hearing loss 37. Last evaluated: 2018-01-12. Review status: criteria provided, single submitter. Criteria: ICSL Variant Classification Criteria 13 December 2019. Collection method: clinical testing. Allele origin: germline.
Comment: This variant was observed in the ICSL laboratory as part of a predisposition screen in an ostensibly healthy population. It had not been previously curated by ICSL or reported in the Human Gene Mutation Database (HGMD: prior to June 1st, 2018), and was therefore a candidate for classification through an automated scoring system. Utilizing variant allele frequency, disease prevalence and penetrance estimates, and inheritance mode, an automated score was calculated to assess if this variant is too frequent to cause the disease. Based on the score and internal cut-off values, a variant classified as benign is not then subjected to further curation. The score for this variant resulted in a classification of benign for this disease.

Illumina Laboratory Services, Illumina
Classification: Benign for Autosomal dominant nonsyndromic hearing loss 22. Last evaluated: 2018-01-12. Review status: criteria provided, single submitter. Criteria: ICSL Variant Classification Criteria 13 December 2019. Collection method: clinical testing. Allele origin: germline.
Comment: the same text as in the submission from Illumina Laboratory Services, Illumina above.

NM_004999.4(MYO6):c.*350T>C

Gene: MYO6 (myosin VI; plus strand). Cytogenetic location: 6q14.1.
Variant type: single nucleotide variant.
Coding change: c.*350T>C on transcript NM_004999.4 (MANE Select); 350 bases downstream of the stop codon, T replaced by C.
Molecular consequence: 3 prime UTR variant. On other transcripts: non-coding transcript variant (1).
Genome position (GRCh38, 1-based): chr6:75,915,362, T>C. VCF-style: chr6-75915362-T-C. GRCh37 (hg19) VCF-style: chr6-76625079-T-C.
Other names: c.*350T>C (NM_001300899.2, NM_001368136.1, NM_001368137.1 and 3 more transcripts).
Identifiers: ClinVar variation 358003 (VCV000358003.7), dbSNP rs699186, ClinGen allele CA10624644.
Genomic context (GRCh38, chr6:75,915,362, plus strand): 5'-TTACATCCATCGTAATTGTTCTCTAGGAAAAGAGAACTTTTTTCAAAATTCAAAATACTT[T>C]TTAAGGATGGCACAGTACCATATAACTGGAGTAATAAAACATGAGCTTACATTCTTACAA-3'